The following is an entry in ClinVar:

ClinVar aggregate classification (germline): Benign/Likely benign. Review status: criteria provided, multiple submitters, no conflicts (2 of 4 stars). 3 submissions from 3 submitters: Benign (1); Likely benign (2). Last evaluated 2025-06-04.

Conditions:
Hereditary cancer-predisposing syndrome. Also called: Neoplastic Syndromes, Hereditary; Hereditary Cancer Syndrome; Hereditary neoplastic syndrome; Tumor predisposition. Identifiers: Orphanet 140162, MedGen C0027672, MeSH D009386, MONDO:0015356.
Hereditary diffuse gastric adenocarcinoma (HDGC). Also called: DIFFUSE GASTRIC AND LOBULAR BREAST CANCER SYNDROME. Identifiers: Orphanet 26106, MedGen C1708349, MONDO:0007648, OMIM 137215.

Submissions (3):

Labcorp Genetics (formerly Invitae), Labcorp
Classification: Likely benign for Hereditary diffuse gastric adenocarcinoma. Last evaluated: 2025-06-04. Review status: criteria provided, single submitter. Criteria: Invitae Variant Classification Sherloc (09022015). Collection method: clinical testing. Allele origin: germline.

Myriad Genetics, Inc.
Classification: Benign for Hereditary diffuse gastric adenocarcinoma. Last evaluated: 2024-09-13. Review status: criteria provided, single submitter. Criteria: Myriad Autosomal Dominant, Autosomal Recessive and X-Linked Classification Criteria (2023). Collection method: clinical testing. Allele origin: unknown.
Comment: This variant is considered benign. This variant is a silent/synonymous amino acid change and it is not expected to impact splicing.

Ambry Genetics
Classification: Likely benign for Hereditary cancer-predisposing syndrome. Last evaluated: 2019-10-31. Review status: criteria provided, single submitter. Criteria: Ambry Variant Classification Scheme 2023. Collection method: clinical testing. Allele origin: germline.

NM_004360.5(CDH1):c.711C>A (p.Ser237=)

Gene: CDH1 (cadherin 1; plus strand). Cytogenetic location: 16q22.1.
Variant type: single nucleotide variant.
Coding change: c.711C>A on transcript NM_004360.5 (MANE Select); coding-DNA position 711, C replaced by A.
Protein change: p.Ser237=; no amino-acid change (serine 237 retained).
Molecular consequence: synonymous variant. On other transcripts: 5 prime UTR variant (2).
Genome position (GRCh38, 1-based): chr16:68,810,220, C>A. VCF-style: chr16-68810220-C-A. GRCh37 (hg19) VCF-style: chr16-68844123-C-A.
Other names: c.711C>A, p.Ser237= (NM_001317184.2); c.-905C>A (NM_001317185.2); c.-1109C>A (NM_001317186.2).
Identifiers: ClinVar variation 826851 (VCV000826851.13), dbSNP rs1597892308, ClinGen allele CA496152769.